The following is an entry in ClinVar:

ClinVar aggregate classification (germline): Uncertain significance (1 of 4 stars; one submission).

Allele frequency attached by ClinVar (database versions not stated): gnomAD exomes below 0.00001 and 0.00001; TOPMed below 0.00001; ExAC 0.00001; gnomAD 0.00001; 1000 Genomes Project 30x 0.00016; 1000 Genomes Project 0.00020.
gnomAD v4.1: 2 of 1,612,924 alleles (0.00012%); highest among the groups gnomAD compares: Admixed American, 0.0033%; no homozygotes.

Submission:

Labcorp Genetics (formerly Invitae), Labcorp
Classification: Uncertain significance. Last evaluated: 2021-02-04. Review status: criteria provided, single submitter. Criteria: Invitae Variant Classification Sherloc (09022015). Collection method: clinical testing. Allele origin: germline.
Comment: In summary, the available evidence is currently insufficient to determine the role of this variant in disease. Therefore, it has been classified as a Variant of Uncertain Significance. Algorithms developed to predict the effect of missense changes on protein structure and function (SIFT, PolyPhen-2, Align-GVGD) all suggest that this variant is likely to be tolerated, but these predictions have not been confirmed by published functional studies and their clinical significance is uncertain. This variant has not been reported in the literature in individuals with CNGB1-related conditions. This variant is present in population databases (rs199920293, ExAC 0.009%). This sequence change replaces threonine with isoleucine at codon 542 of the CNGB1 protein (p.Thr542Ile). The threonine residue is weakly conserved and there is a moderate physicochemical difference between threonine and isoleucine.

NM_001297.5(CNGB1):c.1625C>T (p.Thr542Ile)

Gene: CNGB1 (cyclic nucleotide gated channel subunit beta 1; minus strand). Cytogenetic location: 16q21.
Variant type: single nucleotide variant.
Coding change: c.1625C>T on transcript NM_001297.5 (MANE Select); coding-DNA position 1625, C replaced by T.
Protein change: p.Thr542Ile; replaces threonine 542 with isoleucine.
Molecular consequence: missense variant.
Genome position (GRCh38, 1-based): chr16:57,923,291, G>A on the plus strand (C>T on the coding strand, the complement: CNGB1 is on the minus strand). VCF-style: chr16-57923291-G-A. GRCh37 (hg19) VCF-style: chr16-57957195-G-A.
Other names: c.1607C>T, p.Thr536Ile (NM_001286130.2); short protein forms T536I, T542I.
Identifiers: ClinVar variation 945644 (VCV000945644.10), dbSNP rs199920293, ClinGen allele CA8083378.
Genomic context (GRCh38, chr16:57,923,291, plus strand): 5'-CCCGCAGTCTTTCAATTTTCTGAGACCCCAGAGGGGTCTCACTCAGTGTCCTTCGGGGTG[G>A]TGGGGTCAGACCAGGCAACCACTGGGGACTCTGCTGGTGACAACGCCTTGAGCTCTTCAG-3'
Protein context (NP_001288.3, residues 532-552): ESPVVAWSDP[Thr542Ile]TPKDTDGQDR